The following is an entry in ClinVar:

ClinVar aggregate classification (germline): Uncertain significance. Review status: criteria provided, single submitter (1 of 4 stars). 2 submissions from 2 submitters: Uncertain significance (1). 1 of the submissions does not count toward it. Last evaluated 2024-05-15.

Conditions:
Niemann-Pick disease, type C1. Also called: NEUROVISCERAL STORAGE DISEASE WITH VERTICAL SUPRANUCLEAR OPHTHALMOPLEGIA; NIEMANN-PICK DISEASE WITH CHOLESTEROL ESTERIFICATION BLOCK; NIEMANN-PICK DISEASE WITHOUT SPHINGOMYELINASE DEFICIENCY; NIEMANN-PICK DISEASE, CHRONIC NEURONOPATHIC FORM; NIEMANN-PICK DISEASE, VARIANT TYPE C1. Identifiers: Orphanet 646, MedGen C3179455, MONDO:0009757, OMIM 257220.

Allele frequency attached by ClinVar (database versions not stated): gnomAD exomes 0.00002 and 0.00006; ExAC 0.00003; gnomAD 0.00003; TOPMed 0.00005; 1000 Genomes Project 30x 0.00016; 1000 Genomes Project 0.00020.
gnomAD v4.1: 34 of 1,614,118 alleles (0.0021%); highest among the groups gnomAD compares: East Asian, 0.027%; no homozygotes.

Submissions (2):

Labcorp Genetics (formerly Invitae), Labcorp
Classification: Uncertain significance for Niemann-Pick disease, type C1. Last evaluated: 2024-05-15. Review status: criteria provided, single submitter. Criteria: Invitae Variant Classification Sherloc (09022015). Collection method: clinical testing. Allele origin: germline.
Comment: This sequence change replaces threonine, which is neutral and polar, with methionine, which is neutral and non-polar, at codon 1176 of the NPC1 protein (p.Thr1176Met). This variant is present in population databases (rs558264503, gnomAD 0.05%). This variant has not been reported in the literature in individuals affected with NPC1-related conditions. ClinVar contains an entry for this variant (Variation ID: 663971). Advanced modeling of protein sequence and biophysical properties (such as structural, functional, and spatial information, amino acid conservation, physicochemical variation, residue mobility, and thermodynamic stability) performed at Invitae indicates that this missense variant is not expected to disrupt NPC1 protein function with a negative predictive value of 95%. In summary, the available evidence is currently insufficient to determine the role of this variant in disease. Therefore, it has been classified as a Variant of Uncertain Significance.

Natera, Inc.
Classification: Uncertain significance for Niemann-Pick disease type C1. Last evaluated: 2020-09-16. Review status: no assertion criteria provided. Collection method: clinical testing. Allele origin: germline. Not counted in ClinVar's aggregate classification.

NM_000271.5(NPC1):c.3527C>T (p.Thr1176Met)

Gene: NPC1 (NPC intracellular cholesterol transporter 1; minus strand). Cytogenetic location: 18q11.2.
Variant type: single nucleotide variant.
Coding change: c.3527C>T on transcript NM_000271.5 (MANE Select); coding-DNA position 3527, C replaced by T.
Protein change: p.Thr1176Met; replaces threonine 1176 with methionine.
Molecular consequence: missense variant.
Genome position (GRCh38, 1-based): chr18:23,534,510, G>A on the plus strand (C>T on the coding strand, the complement: NPC1 is on the minus strand). VCF-style: chr18-23534510-G-A. GRCh37 (hg19) VCF-style: chr18-21114474-G-A.
Other names: short protein forms T1176M.
Identifiers: ClinVar variation 663971 (VCV000663971.6), dbSNP rs558264503, ClinGen allele CA8912742.